The following is an entry in ClinVar:

NM_144997.7(FLCN):c.1176G>A (p.Arg392=)

Gene: FLCN (folliculin; minus strand). Cytogenetic location: 17p11.2.
Variant type: single nucleotide variant.
Coding change: c.1176G>A on transcript NM_144997.7 (MANE Select); coding-DNA position 1176, G replaced by A.
Protein change: p.Arg392=; no amino-acid change (arginine 392 retained).
Molecular consequence: synonymous variant.
Genome position (GRCh38, 1-based): chr17:17,217,069, C>T on the plus strand (G>A on the coding strand, the complement: FLCN is on the minus strand). VCF-style: chr17-17217069-C-T. GRCh37 (hg19) VCF-style: chr17-17120383-C-T.
Other names: c.1230G>A, p.Arg410= (NM_001353229.2); c.1176G>A, p.Arg392= (NM_001353230.2, NM_001353231.2).
Identifiers: ClinVar variation 2852087 (VCV002852087.3), dbSNP rs2046948026, ClinGen allele CA498163345.

ClinVar aggregate classification (germline): Likely pathogenic (1 of 4 stars; one submission).

Conditions:
Birt-Hogg-Dube syndrome. Also called: Birt Hogg Dubé syndrome. Identifiers: Orphanet 122, MedGen C0346010, MONDO:0800444.

Submission:

Labcorp Genetics (formerly Invitae), Labcorp
Classification: Likely pathogenic for Birt-Hogg-Dube syndrome. Last evaluated: 2023-05-08. Review status: criteria provided, single submitter. Criteria: Invitae Variant Classification Sherloc (09022015). Collection method: clinical testing. Allele origin: germline.
Comment: In summary, the currently available evidence indicates that the variant is pathogenic, but additional data are needed to prove that conclusively. Therefore, this variant has been classified as Likely Pathogenic. This variant disrupts the c.1176G nucleotide in the FLCN gene. Other variant(s) that disrupt this nucleotide have been determined to be pathogenic (Invitae). This suggests that this nucleotide is clinically significant, and that variants that disrupt this position are likely to be disease-causing. Variants that disrupt the consensus splice site are a relatively common cause of aberrant splicing (PMID: 17576681, 9536098). Studies have shown that this variant results in activation of a cryptic splice site and introduces a premature termination codon (Invitae). The resulting mRNA is expected to undergo nonsense-mediated decay. This variant has not been reported in the literature in individuals affected with FLCN-related conditions. This variant is not present in population databases (gnomAD no frequency). This sequence change affects codon 392 of the FLCN mRNA. It is a 'silent' change, meaning that it does not change the encoded amino acid sequence of the FLCN protein. RNA analysis indicates that this variant induces altered splicing and may result in an absent or disrupted protein product.

Literature cited by the submitters: PubMed 17576681; PubMed 9536098.